The following is an entry in ClinVar:

NM_000553.6(WRN):c.138C>G (p.Phe46Leu)

Gene: WRN (WRN RecQ like helicase; plus strand). Cytogenetic location: 8p12.
Variant type: single nucleotide variant.
Coding change: c.138C>G on transcript NM_000553.6 (MANE Select); coding-DNA position 138, C replaced by G.
Protein change: p.Phe46Leu; replaces phenylalanine 46 with leucine.
Molecular consequence: missense variant.
Genome position (GRCh38, 1-based): chr8:31,059,194, C>G. VCF-style: chr8-31059194-C-G. GRCh37 (hg19) VCF-style: chr8-30916710-C-G.
Other names: short protein forms F46L.
Identifiers: ClinVar variation 404032 (VCV000404032.6), dbSNP rs1060500072, ClinGen allele CA16612412.

ClinVar aggregate classification (germline): Uncertain significance (1 of 4 stars; one submission).

Conditions:
Werner syndrome (WRN). Identifiers: Orphanet 902, MedGen C0043119, MONDO:0010196, OMIM 277700.

Submission:

Labcorp Genetics (formerly Invitae), Labcorp
Classification: Uncertain significance for Werner syndrome. Last evaluated: 2019-05-02. Review status: criteria provided, single submitter. Criteria: Invitae Variant Classification Sherloc (09022015). Collection method: clinical testing. Allele origin: germline.
Comment: This variant is not present in population databases (ExAC no frequency) and has not been reported in the literature in individuals with a WRN-related disease. This sequence change replaces phenylalanine with leucine at codon 46 of the WRN protein (p.Phe46Leu). The phenylalanine residue is moderately conserved and there is a small physicochemical difference between phenylalanine and leucine. In summary, this variant is a novel missense change with uncertain impact on protein function. It has been classified as a Variant of Uncertain Significance. Algorithms developed to predict the effect of missense changes on protein structure and function output the following: SIFT: "Deleterious"; PolyPhen-2: "Benign"; Align-GVGD: "Class C0". The leucine amino acid residue is also found in multiple mammalian species, suggesting that this missense change does not adversely affect protein function. These predictions have not been confirmed by published functional studies.